The following is an entry in ClinVar:

ClinVar aggregate classification (germline): Uncertain significance (1 of 4 stars; one submission).

Conditions:
Inborn genetic diseases. Identifiers: MedGen C0950123, MeSH D030342.

gnomAD v4.1: 3 of 1,613,950 alleles (0.00019%); highest among the groups gnomAD compares: African/African-American, 0.004%; no homozygotes.

Submission:

Ambry Genetics
Classification: Uncertain significance for Inborn genetic diseases. Last evaluated: 2024-07-01. Review status: criteria provided, single submitter. Criteria: Ambry Variant Classification Scheme 2023. Collection method: clinical testing. Allele origin: germline.
Comment: The p.E194Q variant (also known as c.580G>C), located in coding exon 4 of the SLC17A5 gene, results from a G to C substitution at nucleotide position 580. The glutamic acid at codon 194 is replaced by glutamine, an amino acid with highly similar properties. This amino acid position is conserved. In addition, the in silico prediction for this alteration is inconclusive. Based on the available evidence, the clinical significance of this variant remains unclear.

NM_012434.5(SLC17A5):c.580G>C (p.Glu194Gln)

Gene: SLC17A5 (solute carrier family 17 member 5; minus strand). Cytogenetic location: 6q13.
Variant type: single nucleotide variant.
Coding change: c.580G>C on transcript NM_012434.5 (MANE Select); coding-DNA position 580, G replaced by C.
Protein change: p.Glu194Gln; replaces glutamic acid 194 with glutamine.
Molecular consequence: missense variant.
Genome position (GRCh38, 1-based): chr6:73,638,445, C>G on the plus strand (G>C on the coding strand, the complement: SLC17A5 is on the minus strand). VCF-style: chr6-73638445-C-G. GRCh37 (hg19) VCF-style: chr6-74348168-C-G.
Other names: c.349G>C, p.Glu117Gln (NM_001382629.1, NM_001382636.1); c.580G>C, p.Glu194Gln (NM_001382630.1, NM_001382632.1, NM_001382633.1 and 2 more transcripts); c.601G>C, p.Glu201Gln (NM_001382631.1); short protein forms E117Q, E201Q, E194Q.
Identifiers: ClinVar variation 3442862 (VCV003442862.1).